The following is an entry in ClinVar:

NC_000023.10:g.(?_153657039)_(153663552_?)dup

Gene: ATP6AP1 (ATPase H+ transporting accessory protein 1; plus strand). Cytogenetic location: Xq28.
Variant type: Duplication.
Identifiers: ClinVar variation 3246440 (VCV003246440.1).

ClinVar aggregate classification (germline): Uncertain significance (1 of 4 stars; one submission).

Submission:

Labcorp Genetics (formerly Invitae), Labcorp
Classification: Uncertain significance. Last evaluated: 2023-01-23. Review status: criteria provided, single submitter. Criteria: Invitae Variant Classification Sherloc (09022015). Collection method: clinical testing. Allele origin: unknown.
Comment: In summary, the available evidence is currently insufficient to determine the role of this variant in disease. Therefore, it has been classified as a Variant of Uncertain Significance. This variant has not been reported in the literature in individuals affected with ATP6AP1-related conditions. This variant results in a copy number gain of the genomic region encompassing exon(s) 1-8 of the ATP6AP1 gene. This region includes the initiator codon of the gene. This copy number gain extends beyond the assayed region for this gene and therefore may encompass additional genes. As the precise location of this event is unknown, it may be in tandem or it may be located elsewhere in the genome.